The following is an entry in ClinVar:

NM_004304.5(ALK):c.3863G>A (p.Cys1288Tyr)

Gene: ALK (ALK receptor tyrosine kinase; minus strand). Cytogenetic location: 2p23.2.
Variant type: single nucleotide variant.
Coding change: c.3863G>A on transcript NM_004304.5 (MANE Select); coding-DNA position 3863, G replaced by A.
Protein change: p.Cys1288Tyr; replaces cysteine 1288 with tyrosine.
Molecular consequence: missense variant.
Genome position (GRCh38, 1-based): chr2:29,207,246, C>T on the plus strand (G>A on the coding strand, the complement: ALK is on the minus strand). VCF-style: chr2-29207246-C-T. GRCh37 (hg19) VCF-style: chr2-29430112-C-T.
Other names: c.659G>A, p.Cys220Tyr (NM_001353765.2); short protein forms C1288Y, C220Y.
Identifiers: ClinVar variation 2806668 (VCV002806668.3), dbSNP rs760931577, ClinGen allele CA1593737.

ClinVar aggregate classification (germline): Uncertain significance (1 of 4 stars; one submission).

Conditions:
Neuroblastoma, susceptibility to, 3. Also called: ALK-Related Neuroblastic Tumor Susceptibility. Identifiers: Orphanet 635, MedGen C2751681, MONDO:0013083, OMIM 613014.

Allele frequency attached by ClinVar (database versions not stated): ExAC 0.00001.
gnomAD v4.1: 1 of 1,614,158 alleles (0.000062%); no homozygotes.

Submission:

Labcorp Genetics (formerly Invitae), Labcorp
Classification: Uncertain significance for Neuroblastoma, susceptibility to, 3. Last evaluated: 2023-09-03. Review status: criteria provided, single submitter. Criteria: Invitae Variant Classification Sherloc (09022015). Collection method: clinical testing. Allele origin: germline.
Comment: In summary, the available evidence is currently insufficient to determine the role of this variant in disease. Therefore, it has been classified as a Variant of Uncertain Significance. An algorithm developed to predict the effect of missense changes on protein structure and function (PolyPhen-2) suggests that this variant is likely to be disruptive. This variant has not been reported in the literature in individuals affected with ALK-related conditions. This variant is present in population databases (rs760931577, gnomAD 0.0009%). This sequence change replaces cysteine, which is neutral and slightly polar, with tyrosine, which is neutral and polar, at codon 1288 of the ALK protein (p.Cys1288Tyr).